The following is an entry in ClinVar:

ClinVar aggregate classification (germline): Uncertain significance (1 of 4 stars; one submission).

Submission:

Labcorp Genetics (formerly Invitae), Labcorp
Classification: Uncertain significance. Last evaluated: 2022-08-24. Review status: criteria provided, single submitter. Criteria: Invitae Variant Classification Sherloc (09022015). Collection method: clinical testing. Allele origin: germline.
Comment: This sequence change affects the initiator methionine of the MARS2 mRNA. The next in-frame methionine is located at codon 329. This variant is present in population databases (no rsID available, gnomAD 0.001%). This variant has not been reported in the literature in individuals affected with MARS2-related conditions. Experimental studies and prediction algorithms are not available or were not evaluated, and the functional significance of this variant is currently unknown. In summary, the available evidence is currently insufficient to determine the role of this variant in disease. Therefore, it has been classified as a Variant of Uncertain Significance.

NM_138395.4(MARS2):c.3G>C (p.Met1Ile)

Genes: MARS2 (methionyl-tRNA synthetase 2, mitochondrial; plus strand), LOC129935364 (ATAC-STARR-seq lymphoblastoid silent region 12216; plus strand). Cytogenetic location: 2q33.1.
Variant type: single nucleotide variant.
Coding change: c.3G>C on transcript NM_138395.4 (MANE Select); coding-DNA position 3, G replaced by C.
Protein change: p.Met1Ile; changes the start codon (methionine 1).
Molecular consequence: missense variant, initiator codon variant.
Genome position (GRCh38, 1-based): chr2:197,705,408, G>C. VCF-style: chr2-197705408-G-C. GRCh37 (hg19) VCF-style: chr2-198570132-G-C.
Other names: short protein forms M1I.
Identifiers: ClinVar variation 1962606 (VCV001962606.6), dbSNP rs558237975, ClinGen allele CA350211308.
Genomic context (GRCh38, chr2:197,705,408, plus strand): 5'-GCGCCTCTCACACGTGCTGTCAGAACGCCGCCTCCTCCGCTTGCGGCCGGTCTGCACCAT[G>C]CTGCGAACGTCCGTCCTCCGCCTGCTAGGACGCACGGGGGCTAGTAGGCTGTCTCTCCTG-3'
Protein context (NP_612404.1, residues 1-11): [Met1Ile]LRTSVLRLLG